The following is an entry in ClinVar:

ClinVar aggregate classification (germline): Uncertain significance (1 of 4 stars; one submission).

gnomAD v4.1: 1 of 1,605,838 alleles (0.000062%); no homozygotes.

Submission:

GeneDx
Classification: Uncertain significance. Last evaluated: 2025-02-11. Review status: criteria provided, single submitter. Criteria: GeneDx Variant Classification Process June 2021. Collection method: clinical testing. Allele origin: germline. Affected: yes.
Comment: Not observed at significant frequency in large population cohorts (gnomAD); In silico analysis supports that this missense variant has a deleterious effect on protein structure/function; Has not been previously published as pathogenic or benign to our knowledge

NM_013254.4(TBK1):c.275G>A (p.Gly92Glu)

Gene: TBK1 (TANK binding kinase 1; plus strand). Cytogenetic location: 12q14.2.
Variant type: single nucleotide variant.
Coding change: c.275G>A on transcript NM_013254.4 (MANE Select); coding-DNA position 275, G replaced by A.
Protein change: p.Gly92Glu; replaces glycine 92 with glutamic acid.
Molecular consequence: missense variant.
Genome position (GRCh38, 1-based): chr12:64,464,380, G>A. VCF-style: chr12-64464380-G-A. GRCh37 (hg19) VCF-style: chr12-64858160-G-A.
Other names: short protein forms G92E.
Identifiers: ClinVar variation 4075620 (VCV004075620.1).